The following is an entry in ClinVar:

NM_000329.3(RPE65):c.11+5G>A

Gene: RPE65 (retinoid isomerohydrolase RPE65; minus strand). Cytogenetic location: 1p31.3.
Variant type: single nucleotide variant.
Coding change: c.11+5G>A on transcript NM_000329.3 (MANE Select); 5 bases into the intron after coding-DNA position 11, G replaced by A.
Molecular consequence: intron variant.
Genome position (GRCh38, 1-based): chr1:68,449,890, C>T on the plus strand (G>A on the coding strand, the complement: RPE65 is on the minus strand). VCF-style: chr1-68449890-C-T. GRCh37 (hg19) VCF-style: chr1-68915573-C-T.
Other names: IVS1, G-A, +5.
Identifiers: ClinVar variation 98825 (VCV000098825.77), dbSNP rs61751276, ClinGen allele CA226483.

ClinVar aggregate classification (germline): Pathogenic. Review status: reviewed by expert panel (3 of 4 stars). 28 submissions from 26 submitters: Pathogenic (1). 27 of the submissions do not count toward it. Last evaluated 2023-12-22.

Conditions:
Leber congenital amaurosis 2 (LCA2). Also called: AMAUROSIS CONGENITA OF LEBER II; Autosomal Recessive RPE65-Related Retinal Degeneration. Identifiers: Orphanet 65, MedGen C1859844, MONDO:0008765, OMIM 204100. Disease mechanism: loss of function.
Retinitis pigmentosa 20 (RP20). Identifiers: Orphanet 791, MedGen C3151086, MONDO:0013425, OMIM 613794.
Retinitis pigmentosa 87 with choroidal involvement. Identifiers: MedGen C5231465, MONDO:0032873, OMIM 618697.
Autosomal recessive RPE65-related disorders.
RPE65-related retinopathy.
RPE65-related recessive retinopathy. Also called: Recessive RPE65 retinopathy. Identifiers: MedGen CN305526, MONDO:0100368.
RPE65-related disorder. Also called: RPE65-related condition; RPE65-related disorders. Identifiers: MedGen CN239301.
Inborn genetic diseases. Identifiers: MedGen C0950123, MeSH D030342.
Retinal dystrophy. Also called: Inherited retinal dystrophy. Identifiers: Orphanet 71862, MedGen C0854723, MeSH D058499, MONDO:0019118, HP:0000556.
Leber congenital amaurosis (LCA). Also called: Leber's amaurosis. Identifiers: Orphanet 65, MedGen C0339527, MeSH D057130, MONDO:0018998.

Allele frequency attached by ClinVar (database versions not stated): TOPMed 0.00015; gnomAD exomes 0.00016 and 0.00008; ESP Exome Variant Server 0.00031; ExAC 0.00009; gnomAD 0.00013 and 0.00014.
gnomAD v4.1: 251 of 1,613,986 alleles (0.016%); highest among the groups gnomAD compares: Non-Finnish European, 0.02%; no homozygotes.

Submissions 1 to 7 of 28:

ClinGen Leber Congenital Amaurosis/early Onset Retinal Dystrophy Variant Curation Expert Panel, ClinGen
Classification: Pathogenic for RPE65-related recessive retinopathy. Last evaluated: 2023-12-22. Review status: reviewed by expert panel. Criteria: ClinGen LCAeoRD ACMG Specifications RPE65 V1.0.0. Collection method: curation. Allele origin: germline. Inheritance: Autosomal recessive inheritance.
Comment: The NM_000329.3(RPE65):c.11+5G>A variant is a putative splicing variant in intron 1 of the RPE65 gene. The computational splicing predictor SpliceAI lists a change score of 0.58 for splice donor gain, predicting a deleterious impact on splicing (PP3). VCEP-member provided data from a mini-gene assay in HEK-293 cells show that this variant reduces normal splicing and leads to >400x reduction of mature mRNA, relative to the wild-type control (PS3_Supporting, Guan et al., 2024). At least 3 patients with this variant have been reported with detailed phenotypes (PMID: 21211845, PMID: 11786058), one of whom exhibited nonrecordable ERG responses from rods (0.5 pts) and cones (1 pt), congenital night blindness (0.5 pts), absence of autofluorescence (2 pts), optic nerve pallor (0.5 pts), RPE granularity (0.5 pts), onset between birth and age 5 years (1 pt), OCT preserved at macula (1 pt), constricted Goldmann visual field (1 pt), decreased central visual acuity (1 pt), and nystagmus (1 pt), which together are highly specific for recessive RPE65 retinopathy (10 pts total, VCEP member-provided data, PP4_Moderate). This variant has been detected in at least 7 published cases with recessive retinopathy, including at least two individuals homozygous for the variant (1 pt) and three individuals compound heterozygous for this variant in trans with either the c.615_616del (p.Ile206Cysfs*27), p.Glu102Ter, or c.89dup (p.Thr31fs) variant, all which have been classified Pathogenic by this VCEP (4pts, PMID: 11095629, PMID: 17525851, PMID: 35129589), (PM3_Very-Strong). Two publications contain segregation data (PMID: 11786058 and PMID: 35001204), with one set of genotype-positive siblings exhibiting the required phenotype of absent or severely decreased rod electroretinogram response (PP1). The GrpMax Filtering AF for this variant in gnomAD v2.1.1 is 0.0001017 (PM2_Supporting). In summary, this variant meets the criteria to be classified as pathogenic for RPE65-related recessive retinopathy based on the ACMG/AMP criteria applied, as specified by the ClinGen LCA/eoRD VCEP: PM3_Very-Strong, PP4_Moderate, PP1, PM2_Supporting, PP3, PS3_Supporting. (VCEP specifications version 1.0.0; date of approval 09/21/2023).

PreventionGenetics, part of Exact Sciences
Classification: Pathogenic for RPE65-related condition. Last evaluated: 2026-05-18. Review status: criteria provided, single submitter. Criteria: ACMG Guidelines, 2015. Collection method: clinical testing. Allele origin: germline. Not counted in ClinVar's aggregate classification.
Comment: The RPE65 c.11+5G>A variant is predicted to interfere with splicing. This variant has been reported as causative for severe congenital autosomal recessive retinal disorders (see for examples: Astuti et al. 2016. PubMed ID: 26626312; Coppieters et al. 2010. PubMed ID: 20683928; Ripamonti et al. 2014. PubMed ID: 25257057; Table S1, Lin et al. 2024. PubMed ID: 38219857). This variant is one of the three most frequent causative variants in RPE65 (Astuti et al. 2016. PubMed ID: 26626312). This variant is present in 0.016% of alleles in individuals of European (Non-Finnish) descent in gnomAD. This variant has been classified as pathogenic by a ClinGen Variant Curation Expert Panel in ClinVar (Variation ID: 98825). Given all the evidence, we interpret this variant as pathogenic for autosomal recessive disease.

Variantyx, Inc.
Classification: Pathogenic for Autosomal recessive RPE65-related disorders. Last evaluated: 2026-01-06. Review status: criteria provided, single submitter. Criteria: Variantyx Assertion Criteria 2022. Collection method: clinical testing. Allele origin: germline. Inheritance: Autosomal recessive inheritance. Affected: no. Not counted in ClinVar's aggregate classification.
Comment: This is an intronic variant in the RPE65 gene (OMIM: 180069). Pathogenic variants in this gene have been associated with autosomal recessive RPE65-related retinopathy. This variant has been identified in the homozygous or compound heterozygous state in multiple individuals reported in the literature affected with autosomal recessive Leber congenital amaurosis (PMID: 9326941, 11462243, 11786058, 19854499, 20683928, 35001204) (PM3). This variant has been observed to segregate with disease in at least 2 individuals from 2 families (PMID: 11786058, 35001204) (PP1). Functional studies have shown that this variant alters RPE65 protein function (PMID: 36429068) (PS3). This variant has a 0.0203% maximum allele frequency in non-founder control populations (PM2). Based on the current evidence, this variant is classified as pathogenic for autosomal recessive RPE65-related retinopathy.

Labcorp Genetics (formerly Invitae), Labcorp
Classification: Pathogenic for Leber congenital amaurosis 2; Retinitis pigmentosa 20. Last evaluated: 2025-11-19. Review status: criteria provided, single submitter. Criteria: Invitae Variant Classification Sherloc (09022015). Collection method: clinical testing. Allele origin: germline. Not counted in ClinVar's aggregate classification.
Comment: This sequence change falls in intron 1 of the RPE65 gene. It does not directly change the encoded amino acid sequence of the RPE65 protein. It affects a nucleotide within the consensus splice site. This variant is present in population databases (rs61751276, gnomAD 0.02%). This variant has been observed in individual(s) with retinitis pigmentosa or Leber congenital amaurosis (PMID: 9326941, 11462243, 11786058, 19854499, 20683928, 21211845, 25257057). In at least one individual the data is consistent with being in trans (on the opposite chromosome) from a pathogenic variant. This variant is also known as 65+5G>A and IVS1+5G>A. ClinVar contains an entry for this variant (Variation ID: 98825). Variants that disrupt the consensus splice site are a relatively common cause of aberrant splicing (PMID: 17576681, 9536098). Algorithms developed to predict the effect of sequence changes on RNA splicing suggest that this variant may disrupt the consensus splice site. For these reasons, this variant has been classified as Pathogenic.

Natera, Inc.
Classification: Pathogenic for Leber congenital amaurosis. Last evaluated: 2025-10-13. Review status: criteria provided, single submitter. Criteria: Natera Variant Classification Schema (03/2026). Collection method: clinical testing. Allele origin: germline. Not counted in ClinVar's aggregate classification.
Comment: The c.11+5G>A variant in RPE65 is an intronic variant located outside the canonical splice sites. This variant is rare in the general population with a frequency below the threshold expected for the associated phenotype(s). This variant has been observed in one or more individuals affected with the associated recessive disease, as either homozygous or compound heterozygous with a second variant (PMID: 32531858, 22334370). Computational prediction algorithms indicate this variant is likely to affect gene or protein function. Given the available evidence, this variant is classified as Pathogenic.

Variantyx, Inc.
Classification: Pathogenic for RPE65-related retinopathy. Last evaluated: 2025-03-24. Review status: criteria provided, single submitter. Criteria: Variantyx Assertion Criteria 2022. Collection method: clinical testing. Allele origin: germline. Inheritance: Autosomal recessive inheritance. Not counted in ClinVar's aggregate classification.
Comment: This is an intronic variant in the RPE65 gene (OMIM: 180069). Pathogenic variants in this gene have been associated with autosomal recessive RPE65-related retinopathy. This variant has been identified in the homozygous or compound heterozygous state in multiple individuals reported in the literature affected with autosomal recessive Leber congenital amaurosis (PMID: 9326941, 11462243, 11786058, 19854499, 20683928, 35001204) (PM3). This variant has been observed to segregate with disease in at least 2 individuals from 2 families (PMID:11786058, 35001204) (PP1). Functional studies have shown that this variant alters RPE65 protein function (PMID:36429068) (PS3). This variant has a 0.0203% maximum allele frequency in non-founder control populations (PM2). Based on the current evidence, this variant is classified as pathogenic for autosomal recessive RPE65-related retinopathy.

Center for Genomic Medicine, Rigshospitalet, Copenhagen University Hospital
Classification: Pathogenic. Last evaluated: 2025-03-04. Review status: criteria provided, single submitter. Criteria: ACMG Guidelines, 2015. Collection method: clinical testing. Allele origin: germline. Not counted in ClinVar's aggregate classification.